The following is an entry in ClinVar:

ClinVar aggregate classification (germline): Uncertain significance (1 of 4 stars; one submission).

Allele frequency attached by ClinVar (database versions not stated): ExAC 0.00001; TOPMed 0.00001.
gnomAD v4.1: 4 of 1,588,150 alleles (0.00025%); highest among the groups gnomAD compares: African/African-American, 0.0013%; no homozygotes.

Submission:

Labcorp Genetics (formerly Invitae), Labcorp
Classification: Uncertain significance. Last evaluated: 2023-05-12. Review status: criteria provided, single submitter. Criteria: Invitae Variant Classification Sherloc (09022015). Collection method: clinical testing. Allele origin: germline.
Comment: In summary, the available evidence is currently insufficient to determine the role of this variant in disease. Therefore, it has been classified as a Variant of Uncertain Significance. An algorithm developed to predict the effect of missense changes on protein structure and function (PolyPhen-2) suggests that this variant is likely to be disruptive. This variant has not been reported in the literature in individuals affected with HMCN1-related conditions. The frequency data for this variant in the population databases is considered unreliable, as metrics indicate poor data quality at this position in the gnomAD database. This sequence change replaces glycine, which is neutral and non-polar, with aspartic acid, which is acidic and polar, at codon 2939 of the HMCN1 protein (p.Gly2939Asp).

NM_031935.3(HMCN1):c.8816G>A (p.Gly2939Asp)

Gene: HMCN1 (hemicentin 1; plus strand). Cytogenetic location: 1q31.1.
Variant type: single nucleotide variant.
Coding change: c.8816G>A on transcript NM_031935.3 (MANE Select); coding-DNA position 8816, G replaced by A.
Protein change: p.Gly2939Asp; replaces glycine 2939 with aspartic acid.
Molecular consequence: missense variant.
Genome position (GRCh38, 1-based): chr1:186,082,893, G>A. VCF-style: chr1-186082893-G-A. GRCh37 (hg19) VCF-style: chr1-186052025-G-A.
Other names: short protein forms G2939D.
Identifiers: ClinVar variation 2989718 (VCV002989718.3), dbSNP rs761288814, ClinGen allele CA1293229.
Genomic context (GRCh38, chr1:186,082,893, plus strand): 5'-TTTTATTTGGAATTTCTTCATTTTTCCCTTAGATTCTGAATACTCAAATAACAGATATCG[G>A]CAGGTATGTGTGTGTTGCTGAGAACACAGCTGGGAGTGCCAAAAAATATTTTAACCTCAA-3'
Protein context (NP_114141.2, residues 2929-2949): QILNTQITDI[Gly2939Asp]RYVCVAENTA